The following is an entry in ClinVar:

ClinVar aggregate classification (germline): Uncertain significance. Review status: criteria provided, multiple submitters, no conflicts (2 of 4 stars). 3 submissions from 3 submitters: Uncertain significance (2). 1 of the submissions does not count toward it. Last evaluated 2025-10-23.

Conditions:
Inborn genetic diseases. Identifiers: MedGen C0950123, MeSH D030342.
Amyotrophic lateral sclerosis type 1 (ALS1). Also called: AMYOTROPHIC LATERAL SCLEROSIS 1, FAMILIAL. Identifiers: Orphanet 803, MedGen C1862939, MONDO:0007103, OMIM 105400.
Perry syndrome. Also called: PARKINSONISM WITH ALVEOLAR HYPOVENTILATION AND MENTAL DEPRESSION. Identifiers: Orphanet 178509, MedGen C1868594, MONDO:0008201, OMIM 168605.
Neuronopathy, distal hereditary motor, type 7B. Also called: Distal Hereditary Motor Neuronopathy Type 7B (dHMN7B); NEURONOPATHY, DISTAL HEREDITARY MOTOR, AUTOSOMAL DOMINANT 14; NEURONOPATHY, DISTAL HEREDITARY MOTOR, HARDING TYPE VIIB; NEUROPATHY, DISTAL HEREDITARY MOTOR, HARDING TYPE VIIB; NEUROPATHY, DISTAL HEREDITARY MOTOR, WITH VOCAL CORD PARALYSIS, HARDING TYPE VIIB; HMN VIIB. Identifiers: Orphanet 139589, MedGen C1843315, MONDO:0011879, OMIM 607641.
DCTN1-related disorder. Also called: DCTN1-related condition.

Allele frequency attached by ClinVar (database versions not stated): gnomAD exomes 0.00002; TOPMed 0.00002; ExAC 0.00003; gnomAD 0.00003 and 0.00004; ESP Exome Variant Server 0.00008.
gnomAD v4.1: 44 of 1,613,630 alleles (0.0027%); highest among the groups gnomAD compares: Non-Finnish European, 0.0036%; no homozygotes.

Submissions (3):

Ambry Genetics
Classification: Uncertain significance for Inborn genetic diseases. Last evaluated: 2025-10-23. Review status: criteria provided, single submitter. Criteria: Ambry Variant Classification Scheme 2023. Collection method: clinical testing. Allele origin: germline.

Labcorp Genetics (formerly Invitae), Labcorp
Classification: Uncertain significance for Amyotrophic lateral sclerosis type 1; Neuronopathy, distal hereditary motor, type 7B; Perry syndrome. Last evaluated: 2025-10-02. Review status: criteria provided, single submitter. Criteria: Invitae Variant Classification Sherloc (09022015). Collection method: clinical testing. Allele origin: germline.
Comment: This sequence change replaces alanine, which is neutral and non-polar, with serine, which is neutral and polar, at codon 646 of the DCTN1 protein (p.Ala646Ser). This variant is present in population databases (rs146865209, gnomAD 0.003%). This variant has not been reported in the literature in individuals affected with DCTN1-related conditions. ClinVar contains an entry for this variant (Variation ID: 653832). Invitae Evidence Modeling of protein sequence and biophysical properties (such as structural, functional, and spatial information, amino acid conservation, physicochemical variation, residue mobility, and thermodynamic stability) indicates that this missense variant is not expected to disrupt DCTN1 protein function with a negative predictive value of 95%. In summary, the available evidence is currently insufficient to determine the role of this variant in disease. Therefore, it has been classified as a Variant of Uncertain Significance.

PreventionGenetics, part of Exact Sciences
Classification: Uncertain significance for DCTN1-related condition. Last evaluated: 2024-07-11. Review status: no assertion criteria provided. Collection method: clinical testing. Allele origin: germline. Not counted in ClinVar's aggregate classification.
Comment: The DCTN1 c.1936G>T variant is predicted to result in the amino acid substitution p.Ala646Ser. To our knowledge, this variant has not been reported in the literature. This variant is reported in 0.0035% of alleles in individuals of European (Non-Finnish) descent in gnomAD. At this time, the clinical significance of this variant is uncertain due to the absence of conclusive functional and genetic evidence.

NM_004082.5(DCTN1):c.1936G>T (p.Ala646Ser)

Gene: DCTN1 (dynactin subunit 1; minus strand). Cytogenetic location: 2p13.1.
Variant type: single nucleotide variant.
Coding change: c.1936G>T on transcript NM_004082.5 (MANE Select); coding-DNA position 1936, G replaced by T.
Protein change: p.Ala646Ser; replaces alanine 646 with serine.
Molecular consequence: missense variant. On other transcripts: non-coding transcript variant (1).
Genome position (GRCh38, 1-based): chr2:74,368,050, C>A on the plus strand (G>T on the coding strand, the complement: DCTN1 is on the minus strand). VCF-style: chr2-74368050-C-A. GRCh37 (hg19) VCF-style: chr2-74595177-C-A.
Other names: c.1876G>T, p.Ala626Ser (NM_001135040.3); c.1534G>T, p.Ala512Ser (NM_001135041.3, NM_023019.4); c.1825G>T, p.Ala609Ser (NM_001190836.2); c.1915G>T, p.Ala639Ser (NM_001190837.2); c.1885G>T, p.Ala629Ser (NM_001378991.1); c.1867G>T, p.Ala623Ser (NM_001378992.1); short protein forms A609S, A646S, A626S, A512S, A639S, A623S, A629S.
Identifiers: ClinVar variation 653832 (VCV000653832.11), dbSNP rs146865209, ClinGen allele CA1721998.